The following is an entry in ClinVar:

ClinVar aggregate classification (germline): Uncertain significance (1 of 4 stars; one submission).

Conditions:
RAI1-related disorder. Also called: RAI1-related condition.

gnomAD v4.1: 1 of 1,613,744 alleles (0.000062%); highest among the groups gnomAD compares: African/African-American, 0.0013%; no homozygotes.

Submission:

PreventionGenetics, part of Exact Sciences
Classification: Uncertain significance for RAI1-related condition. Last evaluated: 2026-08-18. Review status: criteria provided, single submitter. Criteria: ACMG Guidelines, 2015. Collection method: clinical testing. Allele origin: germline.
Comment: The RAI1 c.1210A>T variant is predicted to result in the amino acid substitution p.Thr404Ser. To our knowledge, this variant has not been reported in the literature. This variant is reported in 0.011% of alleles in individuals of African descent in gnomAD.At this time, the clinical significance of this variant is uncertain due to the absence of conclusive functional and genetic evidence.

NM_030665.4(RAI1):c.1210A>T (p.Thr404Ser)

Gene: RAI1 (retinoic acid induced 1; plus strand). Cytogenetic location: 17p11.2.
Variant type: single nucleotide variant.
Coding change: c.1210A>T on transcript NM_030665.4 (MANE Select); coding-DNA position 1210, A replaced by T.
Protein change: p.Thr404Ser; replaces threonine 404 with serine.
Molecular consequence: missense variant.
Genome position (GRCh38, 1-based): chr17:17,794,158, A>T. VCF-style: chr17-17794158-A-T. GRCh37 (hg19) VCF-style: chr17-17697472-A-T.
Other names: short protein forms T404S.
Identifiers: ClinVar variation 4996031 (VCV004996031.1).
Genomic context (GRCh38, chr17:17,794,158, plus strand): 5'-GCAGGGATCACTGACCACAGCCACTTCATGCCCCTGCTCAATCCCTCCCCAACGGATGCC[A>T]CCAGCTCTGTGGACACCCAGGCTGGCAACTGCAAGCCCCTTCAGAAGGACAAGCTCCCTG-3'
Protein context (NP_109590.3, residues 394-414): PLLNPSPTDA[Thr404Ser]SSVDTQAGNC